The following is an entry in ClinVar:

ClinVar aggregate classification (germline): Uncertain significance (0 of 4 stars; one submission).

Conditions:
BBS9-related disorder. Also called: BBS9-related condition.

gnomAD v4.1: 1 of 1,591,796 alleles (0.000063%); highest among the groups gnomAD compares: African/African-American, 0.0013%; no homozygotes.

Submission:

PreventionGenetics, part of Exact Sciences
Classification: Uncertain significance for BBS9-related condition. Last evaluated: 2024-01-24. Review status: no assertion criteria provided. Collection method: clinical testing. Allele origin: germline.
Comment: The BBS9 c.112+9C>T variant is predicted to interfere with splicing. To our knowledge, this variant has not been reported in the literature or in a large population database, indicating this variant is rare. At this time, the clinical significance of this variant is uncertain due to the absence of conclusive functional and genetic evidence.

NM_198428.3(BBS9):c.112+9C>T

Gene: BBS9 (Bardet-Biedl syndrome 9; plus strand). Cytogenetic location: 7p14.3.
Variant type: single nucleotide variant.
Coding change: c.112+9C>T on transcript NM_198428.3 (MANE Select); 9 bases into the intron after coding-DNA position 112, C replaced by T.
Molecular consequence: intron variant.
Genome position (GRCh38, 1-based): chr7:33,146,373, C>T. VCF-style: chr7-33146373-C-T. GRCh37 (hg19) VCF-style: chr7-33185985-C-T.
Other names: c.112+9C>T (NM_001348036.1, NM_001362679.1, NM_001348041.4 and 5 more transcripts); c.-166+9C>T (NM_001348038.3, NM_001348039.3); c.-190+9C>T (NM_001348037.3); c.-23-6328C>T (NM_001348042.3); c.-189-6328C>T (NM_001348045.3); c.-39+16332C>T (NM_001348046.3, NM_001348044.3).
Identifiers: ClinVar variation 3348173 (VCV003348173.1).
Genomic context (GRCh38, chr7:33,146,373, plus strand): 5'-GATCAAGGCTGTTTGTGTCTGGCTAATGTTGACAATAGTGGAAATGGACAAGGTAAGCAA[C>T]TTACAACCATACATCTTGGATGAAAGTTTTAAAGAGATCAAATAAGACTGGGCACGGTGG-3'